The following is an entry in ClinVar:

NM_001206927.2(DNAH8):c.497T>A (p.Val166Asp)

Genes: DNAH8 (dynein axonemal heavy chain 8; plus strand), LOC126859667 (BRD4-independent group 4 enhancer GRCh37_chr6:38690326-38691525; plus strand). Cytogenetic location: 6p21.2.
Variant type: single nucleotide variant.
Coding change: c.497T>A on transcript NM_001206927.2 (MANE Select); coding-DNA position 497, T replaced by A.
Protein change: p.Val166Asp; replaces valine 166 with aspartic acid.
Molecular consequence: missense variant. On other transcripts: 5 prime UTR variant (1).
Genome position (GRCh38, 1-based): chr6:38,723,443, T>A. VCF-style: chr6-38723443-T-A. GRCh37 (hg19) VCF-style: chr6-38691219-T-A.
Other names: c.-70T>A (NM_001371.4); short protein forms V166D.
Identifiers: ClinVar variation 657445 (VCV000657445.7), dbSNP rs374691452, ClinGen allele CA363985268.

ClinVar aggregate classification (germline): Uncertain significance. Review status: criteria provided, multiple submitters, no conflicts (2 of 4 stars). 2 submissions from 2 submitters: Uncertain significance (2). Last evaluated 2025-05-26.

Conditions:
Primary ciliary dyskinesia. Also called: Ciliary dyskinesia. Identifiers: Orphanet 244, MedGen C0008780, MONDO:0016575, HP:0012265.

Allele frequency attached by ClinVar (database versions not stated): TOPMed 0.00001.
gnomAD v4.1: 14 of 1,609,318 alleles (0.00087%); highest among the groups gnomAD compares: Non-Finnish European, 0.0012%; no homozygotes.

Submissions (2):

Ambry Genetics
Classification: Uncertain significance. Last evaluated: 2025-05-26. Review status: criteria provided, single submitter. Criteria: Ambry Variant Classification Scheme 2023. Collection method: clinical testing. Allele origin: germline.

Labcorp Genetics (formerly Invitae), Labcorp
Classification: Uncertain significance for Primary ciliary dyskinesia. Last evaluated: 2022-06-04. Review status: criteria provided, single submitter. Criteria: Invitae Variant Classification Sherloc (09022015). Collection method: clinical testing. Allele origin: germline.
Comment: This sequence change replaces valine, which is neutral and non-polar, with aspartic acid, which is acidic and polar, at codon 166 of the DNAH8 protein (p.Val166Asp). This variant is present in population databases (no rsID available, gnomAD 0.0009%). This variant has not been reported in the literature in individuals affected with DNAH8-related conditions. ClinVar contains an entry for this variant (Variation ID: 657445). Algorithms developed to predict the effect of missense changes on protein structure and function are either unavailable or do not agree on the potential impact of this missense change (SIFT: "Deleterious"; PolyPhen-2: "Not Available"; Align-GVGD: "Class C0"). In summary, the available evidence is currently insufficient to determine the role of this variant in disease. Therefore, it has been classified as a Variant of Uncertain Significance.